The following is an entry in ClinVar:

ClinVar aggregate classification (germline): Pathogenic. Review status: criteria provided, multiple submitters, no conflicts (2 of 4 stars). 2 submissions from 2 submitters: Pathogenic (2). Last evaluated 2025-04-04.

Conditions:
Distal myopathy with posterior leg and anterior hand involvement. Also called: WILLIAMS DISTAL MYOPATHY. Identifiers: Orphanet 63273, MedGen C3279722, MONDO:0013550, OMIM 614065.
Hypertrophic cardiomyopathy 26. Also called: Cardiomyopathy, familial hypertrophic, 26. Identifiers: Orphanet 75249, MedGen C4310749, MONDO:0014883, OMIM 617047.
Myofibrillar myopathy 5. Also called: Filaminopathy (type); FILAMINOPATHY, AUTOSOMAL DOMINANT. Identifiers: Orphanet 171445, MedGen C1836050, MONDO:0012289, OMIM 609524.
Cardiovascular phenotype. Identifiers: MedGen CN230736.

Submissions (2):

Ambry Genetics
Classification: Pathogenic for Cardiovascular phenotype. Last evaluated: 2025-04-04. Review status: criteria provided, single submitter. Criteria: Ambry Variant Classification Scheme 2023. Collection method: clinical testing. Allele origin: germline.
Comment: The c.1537dupG pathogenic mutation, located in coding exon 9 of the FLNC gene, results from a duplication of G at nucleotide position 1537, causing a translational frameshift with a predicted alternate stop codon (p.V513Gfs*50). This variant is considered to be rare based on population cohorts in the Genome Aggregation Database (gnomAD). This alteration is expected to result in loss of function by premature protein truncation or nonsense-mediated mRNA decay. As such, this alteration is interpreted as a disease-causing mutation for FLNC-related dilated cardiomyopathy; however, its clinical significance for FLNC-related hypertrophy/restrictive cardiomyopathy and/or skeletal myopathy is uncertain.

Labcorp Genetics (formerly Invitae), Labcorp
Classification: Pathogenic for Distal myopathy with posterior leg and anterior hand involvement; Myofibrillar myopathy 5; Hypertrophic cardiomyopathy 26. Last evaluated: 2024-11-24. Review status: criteria provided, single submitter. Criteria: Invitae Variant Classification Sherloc (09022015). Collection method: clinical testing. Allele origin: germline.
Comment: This sequence change creates a premature translational stop signal (p.Val513Glyfs*50) in the FLNC gene. It is expected to result in an absent or disrupted protein product. Loss-of-function variants in FLNC are known to be pathogenic (PMID: 27908349). This variant is not present in population databases (gnomAD no frequency). This variant has not been reported in the literature in individuals affected with FLNC-related conditions. For these reasons, this variant has been classified as Pathogenic.

Literature cited by the submitters: PubMed 27908349 (cited by Labcorp Genetics (formerly Invitae), Labcorp).

NM_001458.5(FLNC):c.1537dup (p.Val513fs)

Gene: FLNC (filamin C; plus strand). Cytogenetic location: 7q32.1.
Variant type: Duplication.
Coding change: c.1537dup on transcript NM_001458.5 (MANE Select); coding-DNA position 1537, one base duplicated (G; older notation c.1537dupG).
Protein change: p.Val513fs; shifts the reading frame from valine 513.
Molecular consequence: frameshift variant.
Genome position (GRCh38, 1-based): chr7:128,840,148, G duplicated; the last of 2 consecutive G bases (chr7:128,840,147-128,840,148); duplicating either gives the same sequence. VCF-style (leftmost placement, unchanged base first): chr7-128840146-C-CG. GRCh37 (hg19) VCF-style: chr7-128480200-C-CG.
Other names: c.1537dupG (NM_001458.4); c.1537dup, p.Val513fs (NM_001127487.2); short protein forms V513fs.
Identifiers: ClinVar variation 3759871 (VCV003759871.3).